The following is an entry in ClinVar:

ClinVar aggregate classification (germline): Benign (1 of 4 stars; one submission).

Conditions:
Amyloidosis, hereditary systemic 1 (AMYLD1). Also called: Familial amyloid polyneuropathy; Hereditary oculoleptomeningeal amyloid angiopathy; Familial Transthyretin Amyloidosis; AMYLOID CARDIOMYOPATHY; Transthyretin Amyloidosis; Hereditary Transthyretin Amyloidosis. Identifiers: Orphanet 85447, Orphanet 85451, MedGen C2751492, MONDO:0971004, OMIM 105210.

Allele frequency attached by ClinVar (database versions not stated): gnomAD 0.01108 and 0.01182; 1000 Genomes Project 0.01458; TOPMed 0.01240; gnomAD exomes 0.00152; 1000 Genomes Project 30x 0.01452.

Submission:

Illumina Laboratory Services, Illumina
Classification: Benign for Amyloidosis, hereditary systemic 1. Last evaluated: 2018-01-12. Review status: criteria provided, single submitter. Criteria: ICSL Variant Classification Criteria 13 December 2019. Collection method: clinical testing. Allele origin: germline.
Comment: This variant was observed in the ICSL laboratory as part of a predisposition screen in an ostensibly healthy population. It had not been previously curated by ICSL or reported in the Human Gene Mutation Database (HGMD: prior to June 1st, 2018), and was therefore a candidate for classification through an automated scoring system. Utilizing variant allele frequency, disease prevalence and penetrance estimates, and inheritance mode, an automated score was calculated to assess if this variant is too frequent to cause the disease. Based on the score and internal cut-off values, a variant classified as benign is not then subjected to further curation. The score for this variant resulted in a classification of benign for this disease.

NM_000371.3(TTR):c.*345G>A

Gene: TTR (transthyretin; plus strand). Cytogenetic location: 18q12.1.
Variant type: single nucleotide variant.
Coding change: c.*345G>A on transcript NM_000371.3; 345 bases downstream of the stop codon, G replaced by A.
Genome position (GRCh38, 1-based): chr18:31,599,020, G>A. VCF-style: chr18-31599020-G-A. GRCh37 (hg19) VCF-style: chr18-29178983-G-A.
Identifiers: ClinVar variation 326569 (VCV000326569.7), dbSNP rs58172837, ClinGen allele CA10650777.